The following is an entry in ClinVar:

NM_022124.6(CDH23):c.3170G>A (p.Gly1057Asp)

Gene: CDH23 (cadherin related 23; plus strand). Cytogenetic location: 10q22.1.
Variant type: single nucleotide variant.
Coding change: c.3170G>A on transcript NM_022124.6 (MANE Select); coding-DNA position 3170, G replaced by A.
Protein change: p.Gly1057Asp; replaces glycine 1057 with aspartic acid.
Molecular consequence: missense variant.
Genome position (GRCh38, 1-based): chr10:71,709,161, G>A. VCF-style: chr10-71709161-G-A. GRCh37 (hg19) VCF-style: chr10-73468918-G-A.
Other names: c.3170G>A, p.Gly1057Asp (NM_001171930.2); short protein forms G1057D.
Identifiers: ClinVar variation 1913796 (VCV001913796.2), dbSNP rs781267543, ClinGen allele CA377143298.

ClinVar aggregate classification (germline): Uncertain significance (1 of 4 stars; one submission).

Allele frequency attached by ClinVar (database versions not stated): gnomAD exomes 0.00001.
gnomAD v4.1: 13 of 1,613,978 alleles (0.00081%); highest among the groups gnomAD compares: Non-Finnish European, 0.0011%; no homozygotes.

Submission:

Labcorp Genetics (formerly Invitae), Labcorp
Classification: Uncertain significance. Last evaluated: 2022-07-21. Review status: criteria provided, single submitter. Criteria: Invitae Variant Classification Sherloc (09022015). Collection method: clinical testing. Allele origin: germline.
Comment: This sequence change replaces glycine, which is neutral and non-polar, with aspartic acid, which is acidic and polar, at codon 1057 of the CDH23 protein (p.Gly1057Asp). This variant is not present in population databases (gnomAD no frequency). This variant has not been reported in the literature in individuals affected with CDH23-related conditions. Algorithms developed to predict the effect of missense changes on protein structure and function are either unavailable or do not agree on the potential impact of this missense change (SIFT: "Tolerated"; PolyPhen-2: "Not Available"; Align-GVGD: "Class C0"). In summary, the available evidence is currently insufficient to determine the role of this variant in disease. Therefore, it has been classified as a Variant of Uncertain Significance.